The following is an entry in ClinVar:

NM_022114.4(PRDM16):c.579C>G (p.Tyr193Ter)

Gene: PRDM16 (PR/SET domain 16; plus strand). Cytogenetic location: 1p36.32.
Variant type: single nucleotide variant.
Coding change: c.579C>G on transcript NM_022114.4 (MANE Select); coding-DNA position 579, C replaced by G.
Protein change: p.Tyr193Ter; replaces tyrosine 193 with a stop codon.
Molecular consequence: nonsense.
Genome position (GRCh38, 1-based): chr1:3,396,496, C>G. VCF-style: chr1-3396496-C-G. GRCh37 (hg19) VCF-style: chr1-3313060-C-G.
Other names: c.579C>G, p.Tyr193Ter (NM_199454.3); short protein forms Y193*.
Identifiers: ClinVar variation 1396922 (VCV001396922.6), dbSNP rs2100630391, ClinGen allele CA338001876.

ClinVar aggregate classification (germline): Uncertain significance (1 of 4 stars; one submission).

Conditions:
Left ventricular noncompaction 8 (LVNC8). Identifiers: Orphanet 154, Orphanet 54260, MedGen C3809288, MONDO:0014152, OMIM 615373.

Submission:

Labcorp Genetics (formerly Invitae), Labcorp
Classification: Uncertain significance for Left ventricular noncompaction 8. Last evaluated: 2021-12-13. Review status: criteria provided, single submitter. Criteria: Invitae Variant Classification Sherloc (09022015). Collection method: clinical testing. Allele origin: germline.
Comment: This sequence change creates a premature translational stop signal (p.Tyr193*) in the PRDM16 gene. It is expected to result in an absent or disrupted protein product. However, the current clinical and genetic evidence is not sufficient to establish whether loss-of-function variants in PRDM16 cause disease. This variant is not present in population databases (gnomAD no frequency). This variant has not been reported in the literature in individuals affected with PRDM16-related conditions. Algorithms developed to predict the effect of sequence changes on RNA splicing suggest that this variant may create or strengthen a splice site. In summary, the available evidence is currently insufficient to determine the role of this variant in disease. Therefore, it has been classified as a Variant of Uncertain Significance.